The following is an entry in ClinVar:

ClinVar aggregate classification (germline): Uncertain significance (1 of 4 stars; one submission).

Conditions:
Hereditary cancer-predisposing syndrome. Also called: Neoplastic Syndromes, Hereditary; Tumor predisposition; Hereditary neoplastic syndrome; Hereditary Cancer Syndrome. Identifiers: Orphanet 140162, MedGen C0027672, MeSH D009386, MONDO:0015356.

Submission:

Ambry Genetics
Classification: Uncertain significance for Hereditary cancer-predisposing syndrome. Last evaluated: 2023-03-01. Review status: criteria provided, single submitter. Criteria: Ambry Variant Classification Scheme 2023. Collection method: clinical testing. Allele origin: germline.
Comment: The c.9201_9203delATC variant (also known as p.S3068del) is located in coding exon 23 of the BRCA2 gene. This variant results from an in-frame ATC deletion at nucleotide positions 9201 to 9203. This results in the in-frame deletion of a serine at codon 3068. This amino acid position is poorly conserved in available vertebrate species. In addition, the in silico prediction for this alteration is inconclusive (Choi Y et al. PLoS ONE. 2012; 7(10):e46688). Since supporting evidence is limited at this time, the clinical significance of this alteration remains unclear.

NM_000059.4(BRCA2):c.9201_9203del (p.Ser3068del)

Gene: BRCA2 (BRCA2 DNA repair associated; plus strand). Cytogenetic location: 13q13.1.
Variant type: Deletion.
Coding change: c.9201_9203del on transcript NM_000059.4 (MANE Select); coding-DNA positions 9201 to 9203, 3 bases deleted (ATC; older notation c.9201_9203delATC).
Protein change: p.Ser3068del; deletes serine 3068.
Molecular consequence: inframe deletion. On other transcripts: non-coding transcript variant (1).
Genome position (GRCh38, 1-based): chr13:32,380,090-32,380,092, ATC deleted; deleting any 3 consecutive bases within chr13:32,380,089-32,380,092 gives the same sequence; the c. name uses the placement nearest the transcript's 3' end. VCF-style (leftmost placement, unchanged base first): chr13-32380088-CCAT-C. GRCh37 (hg19) VCF-style: chr13-32954225-CCAT-C.
Other names: c.9105_9107del, p.Ser3036del (NM_001406719.1); c.9150_9152del, p.Ser3051del (NM_001406720.1); c.4269_4271del, p.Ser1424del (NM_001406721.1); c.2784_2786del, p.Ser929del (NM_001406722.1); short protein forms S1424del, S3051del, S929del, S3036del, S3068del.
Identifiers: ClinVar variation 2451558 (VCV002451558.2), dbSNP rs2548556185, ClinGen allele CA2580087509.